The following is an entry in ClinVar:

ClinVar aggregate classification (germline): Uncertain significance (1 of 4 stars; one submission).

Conditions:
Seizures, benign familial infantile, 3 (BFIS3). Also called: CONVULSIONS, BENIGN FAMILIAL INFANTILE, 3; Familial neonatal seizures. Identifiers: Orphanet 140927, Orphanet 306, MedGen C1843140, MONDO:0011904, OMIM 607745.
Developmental and epileptic encephalopathy, 11 (DEE11). Also called: Early infantile epileptic encephalopathy 11. Identifiers: Orphanet 1934, MedGen C3150987, MONDO:0013388, OMIM 613721.

Submission:

Labcorp Genetics (formerly Invitae), Labcorp
Classification: Uncertain significance for Seizures, benign familial infantile, 3; Developmental and epileptic encephalopathy, 11. Last evaluated: 2024-10-17. Review status: criteria provided, single submitter. Criteria: Invitae Variant Classification Sherloc (09022015). Collection method: clinical testing. Allele origin: germline.
Comment: This sequence change replaces arginine, which is basic and polar, with proline, which is neutral and non-polar, at codon 1638 of the SCN2A protein (p.Arg1638Pro). Information on the frequency of this variant in the gnomAD database is not available, as this variant may be reported differently in the database. This variant has not been reported in the literature in individuals affected with SCN2A-related conditions. An algorithm developed to predict the effect of missense changes on protein structure and function (PolyPhen-2) suggests that this variant is likely to be disruptive. In summary, the available evidence is currently insufficient to determine the role of this variant in disease. Therefore, it has been classified as a Variant of Uncertain Significance.

NM_001040142.2(SCN2A):c.4913_4914delinsCA (p.Arg1638Pro)

Gene: SCN2A (sodium voltage-gated channel alpha subunit 2; plus strand). Cytogenetic location: 2q24.3.
Variant type: Indel.
Coding change: c.4913_4914delinsCA on transcript NM_001040142.2 (MANE Select); coding-DNA positions 4913 to 4914, GT replaced by CA.
Protein change: p.Arg1638Pro; replaces arginine 1638 with proline.
Molecular consequence: missense variant.
Genome position (GRCh38, 1-based): chr2:165,388,719-165,388,720, GT replaced by CA. VCF-style: chr2-165388719-GT-CA. GRCh37 (hg19) VCF-style: chr2-166245229-GT-CA.
Other names: c.4913_4914delinsCA, p.Arg1638Pro (NM_001040143.2, NM_001371246.1, NM_001371247.1 and 1 more transcripts); short protein forms R1638P.
Identifiers: ClinVar variation 2942665 (VCV002942665.3), dbSNP rs2468157547, ClinGen allele CA2740095790.